The following is an entry in ClinVar:

NM_001287.6(CLCN7):c.1403A>G (p.Asn468Ser)

Gene: CLCN7 (chloride voltage-gated channel 7; minus strand). Cytogenetic location: 16p13.3.
Variant type: single nucleotide variant.
Coding change: c.1403A>G on transcript NM_001287.6 (MANE Select); coding-DNA position 1403, A replaced by G.
Protein change: p.Asn468Ser; replaces asparagine 468 with serine.
Molecular consequence: missense variant.
Genome position (GRCh38, 1-based): chr16:1,451,667, T>C on the plus strand (A>G on the coding strand, the complement: CLCN7 is on the minus strand). VCF-style: chr16-1451667-T-C. GRCh37 (hg19) VCF-style: chr16-1501668-T-C.
Other names: c.1331A>G, p.Asn444Ser (NM_001114331.3); short protein forms N468S, N444S.
Identifiers: ClinVar variation 2989721 (VCV002989721.3), dbSNP rs2038753696, ClinGen allele CA394188122.

ClinVar aggregate classification (germline): Uncertain significance (1 of 4 stars; one submission).

Submission:

Labcorp Genetics (formerly Invitae), Labcorp
Classification: Uncertain significance. Last evaluated: 2023-06-10. Review status: criteria provided, single submitter. Criteria: Invitae Variant Classification Sherloc (09022015). Collection method: clinical testing. Allele origin: germline.
Comment: This sequence change replaces asparagine, which is neutral and polar, with serine, which is neutral and polar, at codon 468 of the CLCN7 protein (p.Asn468Ser). This variant is not present in population databases (gnomAD no frequency). This variant has not been reported in the literature in individuals affected with CLCN7-related conditions. Advanced modeling of protein sequence and biophysical properties (such as structural, functional, and spatial information, amino acid conservation, physicochemical variation, residue mobility, and thermodynamic stability) performed at Invitae indicates that this missense variant is not expected to disrupt CLCN7 protein function. In summary, the available evidence is currently insufficient to determine the role of this variant in disease. Therefore, it has been classified as a Variant of Uncertain Significance.